The following is an entry in ClinVar:

ClinVar aggregate classification (germline): Uncertain significance (1 of 4 stars; one submission).

Submission:

Labcorp Genetics (formerly Invitae), Labcorp
Classification: Uncertain significance. Last evaluated: 2025-10-07. Review status: criteria provided, single submitter. Criteria: Invitae Variant Classification Sherloc (09022015). Collection method: clinical testing. Allele origin: germline.
Comment: This sequence change replaces aspartic acid, which is acidic and polar, with tyrosine, which is neutral and polar, at codon 208 of the GCGR protein (p.Asp208Tyr). This variant is not present in population databases (gnomAD no frequency). This variant has not been reported in the literature in individuals affected with GCGR-related conditions. An algorithm developed to predict the effect of missense changes on protein structure and function (PolyPhen-2) suggests that this variant is likely to be tolerated. In summary, the available evidence is currently insufficient to determine the role of this variant in disease. Therefore, it has been classified as a Variant of Uncertain Significance.

NM_000160.5(GCGR):c.622G>T (p.Asp208Tyr)

Gene: GCGR (glucagon receptor; plus strand). Cytogenetic location: 17q25.3.
Variant type: single nucleotide variant.
Coding change: c.622G>T on transcript NM_000160.5 (MANE Select); coding-DNA position 622, G replaced by T.
Protein change: p.Asp208Tyr; replaces aspartic acid 208 with tyrosine.
Molecular consequence: missense variant.
Genome position (GRCh38, 1-based): chr17:81,811,525, G>T. VCF-style: chr17-81811525-G-T. GRCh37 (hg19) VCF-style: chr17-79769401-G-T.
Other names: short protein forms D208Y.
Identifiers: ClinVar variation 4760274 (VCV004760274.1).